The following is an entry in ClinVar:

NM_000152.5(GAA):c.2391C>T (p.Ala797=)

Gene: GAA (alpha glucosidase; plus strand). Cytogenetic location: 17q25.3.
Variant type: single nucleotide variant.
Coding change: c.2391C>T on transcript NM_000152.5 (MANE Select); coding-DNA position 2391, C replaced by T.
Protein change: p.Ala797=; no amino-acid change (alanine 797 retained).
Molecular consequence: synonymous variant.
Genome position (GRCh38, 1-based): chr17:80,117,659, C>T. VCF-style: chr17-80117659-C-T. GRCh37 (hg19) VCF-style: chr17-78091458-C-T.
Other names: c.2391C>T (NM_000152.3, NM_000152.4); c.2391C>T, p.Ala797= (NM_001079803.3, NM_001079804.3).
Identifiers: ClinVar variation 282388 (VCV000282388.21), dbSNP rs767494597, ClinGen allele CA8815724.

ClinVar aggregate classification (germline): Conflicting classifications of pathogenicity. Review status: criteria provided, conflicting classifications (1 of 4 stars). 5 submissions from 5 submitters: Uncertain significance (2); Likely benign (2). 1 of the submissions does not count toward it. Last evaluated 2025-11-06.

Conditions:
GAA-related disorder. Also called: GAA-related condition.
Cardiovascular phenotype. Identifiers: MedGen CN230736.
Glycogen storage disease, type II (IOPD). Also called: Glucosidase acid-1,4-alpha deficiency; Glycogen storage disease type 2; Acid maltase deficiency disease; Aglucosidase alfa; Deficiency of alpha-glucosidase; Deficiency of lysosomal alpha-glucosidase. Identifiers: Orphanet 365, MedGen C0017921, MONDO:0009290, OMIM 232300.

Allele frequency attached by ClinVar (database versions not stated): ExAC below 0.00001; gnomAD exomes below 0.00001 and 0.00016; gnomAD 0.00001.
gnomAD v4.1: 94 of 1,612,812 alleles (0.0058%); highest among the groups gnomAD compares: East Asian, 0.21%; 2 homozygotes.

Submissions (5):

Labcorp Genetics (formerly Invitae), Labcorp
Classification: Likely benign for Glycogen storage disease, type II. Last evaluated: 2025-11-06. Review status: criteria provided, single submitter. Criteria: Invitae Variant Classification Sherloc (09022015). Collection method: clinical testing. Allele origin: germline.

Ambry Genetics
Classification: Likely benign for Cardiovascular phenotype. Last evaluated: 2022-11-20. Review status: criteria provided, single submitter. Criteria: Ambry Variant Classification Scheme 2023. Collection method: clinical testing. Allele origin: germline.

Genome-Nilou Lab
Classification: Uncertain significance for Glycogen storage disease, type II. Last evaluated: 2021-07-22. Review status: criteria provided, single submitter. Criteria: ACMG Guidelines, 2015. Collection method: clinical testing. Allele origin: germline. Affected: no.

Eurofins Ntd Llc (ga)
Classification: Uncertain significance. Last evaluated: 2015-08-04. Review status: criteria provided, single submitter. Criteria: EGL Classification Definitions 2015. Collection method: clinical testing. Allele origin: germline. Observed: 1 variant allele, 1 heterozygote.

PreventionGenetics, part of Exact Sciences
Classification: Likely benign for GAA-related condition. Last evaluated: 2022-01-09. Review status: no assertion criteria provided. Collection method: clinical testing. Allele origin: germline. Not counted in ClinVar's aggregate classification.
Comment: This variant is classified as likely benign based on ACMG/AMP sequence variant interpretation guidelines (Richards et al. 2015 PMID: 25741868, with internal and published modifications).